The following is an entry in ClinVar:

ClinVar aggregate classification (germline): Uncertain significance (1 of 4 stars; one submission).

Conditions:
Saldino-Mainzer syndrome (SRTD9). Also called: CONORENAL SYNDROME; Renal dysplasia, retinal pigmentary dystrophy, cerebellar ataxia and skeletal dysplasia; SHORT-RIB THORACIC DYSPLASIA 9 WITHOUT POLYDACTYLY; short-rib thoracic dysplasia 9 with or without polydactyly. Identifiers: Orphanet 140969, MedGen C1849437, MONDO:0009964, OMIM 266920.

gnomAD v4.1: 1 of 1,610,146 alleles (0.000062%); no homozygotes.

Submission:

Labcorp Genetics (formerly Invitae), Labcorp
Classification: Uncertain significance for Saldino-Mainzer syndrome. Last evaluated: 2025-06-23. Review status: criteria provided, single submitter. Criteria: Invitae Variant Classification Sherloc (09022015). Collection method: clinical testing. Allele origin: germline.
Comment: This sequence change replaces serine, which is neutral and polar, with asparagine, which is neutral and polar, at codon 1443 of the IFT140 protein (p.Ser1443Asn). This variant is not present in population databases (gnomAD no frequency). This variant has not been reported in the literature in individuals affected with IFT140-related conditions. Invitae Evidence Modeling of protein sequence and biophysical properties (such as structural, functional, and spatial information, amino acid conservation, physicochemical variation, residue mobility, and thermodynamic stability) indicates that this missense variant is not expected to disrupt IFT140 protein function with a negative predictive value of 95%. In summary, the available evidence is currently insufficient to determine the role of this variant in disease. Therefore, it has been classified as a Variant of Uncertain Significance.

NM_014714.4(IFT140):c.4328G>A (p.Ser1443Asn)

Gene: IFT140 (intraflagellar transport 140; minus strand). Cytogenetic location: 16p13.3.
Variant type: single nucleotide variant.
Coding change: c.4328G>A on transcript NM_014714.4 (MANE Select); coding-DNA position 4328, G replaced by A.
Protein change: p.Ser1443Asn; replaces serine 1443 with asparagine.
Molecular consequence: missense variant.
Genome position (GRCh38, 1-based): chr16:1,511,005, C>T on the plus strand (G>A on the coding strand, the complement: IFT140 is on the minus strand). VCF-style: chr16-1511005-C-T. GRCh37 (hg19) VCF-style: chr16-1561006-C-T.
Other names: short protein forms S1443N.
Identifiers: ClinVar variation 4753265 (VCV004753265.1).
Genomic context (GRCh38, chr16:1,511,005, plus strand): 5'-CAGGGGTCGTCATCTGCCTCTTCCACCACCTCCTCGTCCAGCTCCCTGGCGTCCTCCATG[C>T]TGTTGTGGCGGACCTGCTCGGGGACGGTGCGTGGCAGTGGGAGACCCAGCCCCCGGTGCA-3'
Protein context (NP_055529.2, residues 1433-1453): RTVPEQVRHN[Ser1443Asn]MEDARELDEE